The following is an entry in ClinVar:

ClinVar aggregate classification (germline): Uncertain significance (1 of 4 stars; one submission).

Submission:

GeneDx
Classification: Uncertain significance. Last evaluated: 2024-11-07. Review status: criteria provided, single submitter. Criteria: GeneDx Variant Classification Process June 2021. Collection method: clinical testing. Allele origin: germline.
Comment: Not observed at significant frequency in large population cohorts (gnomAD); Nonsense variant predicted to result in protein truncation or nonsense mediated decay in a gene or region of a gene for which loss of function is not a well-established mechanism of disease; Has not been previously published as pathogenic or benign to our knowledge; Variants in candidate genes are classified as variants of uncertain significance in accordance with ACMG guidelines (PMID: 25741868)

NM_002332.3(LRP1):c.11012G>A (p.Trp3671Ter)

Gene: LRP1 (LDL receptor related protein 1; plus strand). Cytogenetic location: 12q13.3.
Variant type: single nucleotide variant.
Coding change: c.11012G>A on transcript NM_002332.3 (MANE Select); coding-DNA position 11012, G replaced by A.
Protein change: p.Trp3671Ter; replaces tryptophan 3671 with a stop codon.
Molecular consequence: nonsense.
Genome position (GRCh38, 1-based): chr12:57,204,470, G>A. VCF-style: chr12-57204470-G-A. GRCh37 (hg19) VCF-style: chr12-57598253-G-A.
Other names: short protein forms W3671*.
Identifiers: ClinVar variation 4975077 (VCV004975077.1).